The following is an entry in ClinVar:

NM_001100913.3(PACS2):c.1046G>A (p.Ser349Asn)

Gene: PACS2 (phosphofurin acidic cluster sorting protein 2; plus strand). Cytogenetic location: 14q32.33.
Variant type: single nucleotide variant.
Coding change: c.1046G>A on transcript NM_001100913.3 (MANE Select); coding-DNA position 1046, G replaced by A.
Protein change: p.Ser349Asn; replaces serine 349 with asparagine.
Molecular consequence: missense variant.
Genome position (GRCh38, 1-based): chr14:105,379,825, G>A. VCF-style: chr14-105379825-G-A. GRCh37 (hg19) VCF-style: chr14-105846162-G-A.
Other names: c.821G>A, p.Ser274Asn (NM_001243127.3); c.1046G>A, p.Ser349Asn (NM_015197.4); short protein forms S349N, S274N.
Identifiers: ClinVar variation 1988120 (VCV001988120.4), dbSNP rs144782330, ClinGen allele CA7388681.
Genomic context (GRCh38, chr14:105,379,825, plus strand): 5'-CGAGCTCGCAGACGGAGATTGGGAGCATCCACAGCGCCCGCAGCCACAAGGAGCCCCCAA[G>A]CCCGGTGAGTGGGGCCACACTGATCTCCCAGAGCAGACCGTGGTCTGACTGGGCTGTGGT-3'
Protein context (NP_001094383.2, residues 339-359): HSARSHKEPP[Ser349Asn]PADVPEKTRS

ClinVar aggregate classification (germline): Uncertain significance (1 of 4 stars; one submission).

Allele frequency attached by ClinVar (database versions not stated): ExAC 0.00002; gnomAD 0.00002; TOPMed 0.00002; ESP Exome Variant Server 0.00008.
gnomAD v4.1: 61 of 1,613,050 alleles (0.0038%); highest among the groups gnomAD compares: Non-Finnish European, 0.005%; no homozygotes.

Submission:

Labcorp Genetics (formerly Invitae), Labcorp
Classification: Uncertain significance. Last evaluated: 2022-09-24. Review status: criteria provided, single submitter. Criteria: Invitae Variant Classification Sherloc (09022015). Collection method: clinical testing. Allele origin: germline.
Comment: This sequence change replaces serine, which is neutral and polar, with asparagine, which is neutral and polar, at codon 349 of the PACS2 protein (p.Ser349Asn). This variant is present in population databases (rs144782330, gnomAD 0.005%). This variant has not been reported in the literature in individuals affected with PACS2-related conditions. Algorithms developed to predict the effect of missense changes on protein structure and function are either unavailable or do not agree on the potential impact of this missense change (SIFT: "Tolerated"; PolyPhen-2: "Possibly Damaging"; Align-GVGD: "Class C0"). In summary, the available evidence is currently insufficient to determine the role of this variant in disease. Therefore, it has been classified as a Variant of Uncertain Significance.